The following is an entry in ClinVar:

NM_007118.4(TRIO):c.4328G>A (p.Cys1443Tyr)

Gene: TRIO (trio Rho guanine nucleotide exchange factor; plus strand). Cytogenetic location: 5p15.2.
Variant type: single nucleotide variant.
Coding change: c.4328G>A on transcript NM_007118.4 (MANE Select); coding-DNA position 4328, G replaced by A.
Protein change: p.Cys1443Tyr; replaces cysteine 1443 with tyrosine.
Molecular consequence: missense variant. On other transcripts: non-coding transcript variant (1).
Genome position (GRCh38, 1-based): chr5:14,397,059, G>A. VCF-style: chr5-14397059-G-A. GRCh37 (hg19) VCF-style: chr5-14397168-G-A.
Other names: short protein forms C1443Y.
Identifiers: ClinVar variation 1309885 (VCV001309885.2), dbSNP rs2152371808, ClinGen allele CA359233530.

ClinVar aggregate classification (germline): Uncertain significance (1 of 4 stars; one submission).

Submission:

GeneDx
Classification: Uncertain significance. Last evaluated: 2019-11-01. Review status: criteria provided, single submitter. Criteria: GeneDx Variant Classification Process June 2021. Collection method: clinical testing. Allele origin: germline. Affected: yes.
Comment: Not observed in large population cohorts (Lek et al., 2016); In silico analysis, which includes protein predictors and evolutionary conservation, supports a deleterious effect; Has not been previously published as pathogenic or benign to our knowledge